The following is an entry in ClinVar:

ClinVar aggregate classification (germline): Pathogenic (1 of 4 stars; one submission).

gnomAD v4.1: 7 of 1,551,360 alleles (0.00045%); highest among the groups gnomAD compares: Non-Finnish European, 0.00061%; no homozygotes.

Submission:

Labcorp Genetics (formerly Invitae), Labcorp
Classification: Pathogenic. Last evaluated: 2023-11-28. Review status: criteria provided, single submitter. Criteria: Invitae Variant Classification Sherloc (09022015). Collection method: clinical testing. Allele origin: germline.
Comment: This sequence change creates a premature translational stop signal (p.Arg3027*) in the EYS gene. While this is not anticipated to result in nonsense mediated decay, it is expected to disrupt the last 118 amino acid(s) of the EYS protein. This variant is not present in population databases (gnomAD no frequency). This variant has not been reported in the literature in individuals affected with EYS-related conditions. This variant disrupts a region of the EYS protein in which other variant(s) (p.Tyr3135*) have been determined to be pathogenic (PMID: 18976725, 29159838, 30337596, 31074760). This suggests that this is a clinically significant region of the protein, and that variants that disrupt it are likely to be disease-causing. For these reasons, this variant has been classified as Pathogenic.

Literature cited by the submitters: PubMed 18976725; PubMed 29159838; PubMed 30337596; PubMed 31074760.

NM_001142800.2(EYS):c.9079A>T (p.Arg3027Ter)

Genes: EYS (EGF-like photoreceptor maintenance factor; minus strand), PHF3 (PHD finger protein 3; plus strand). Cytogenetic location: 6q12.
Variant type: single nucleotide variant.
Coding change: c.9079A>T on transcript NM_001142800.2 (MANE Select); coding-DNA position 9079, A replaced by T.
Protein change: p.Arg3027Ter; replaces arginine 3027 with a stop codon.
Molecular consequence: nonsense. On other transcripts: 3 prime UTR variant (5).
Genome position (GRCh38, 1-based): chr6:63,720,952, T>A on the plus strand (A>T on the coding strand, the complement: EYS is on the minus strand). VCF-style: chr6-63720952-T-A. GRCh37 (hg19) VCF-style: chr6-64430848-T-A.
Other names: c.*7244T>A (NM_001290259.2, NM_001370348.2, NM_001370349.2 and 2 more transcripts); c.9142A>T, p.Arg3048Ter (NM_001292009.2); short protein forms R3027*, R3048*.
Identifiers: ClinVar variation 2699613 (VCV002699613.3), dbSNP rs2533387451, ClinGen allele CA364383309.
Genomic context (GRCh38, chr6:63,720,952, plus strand): 5'-CATGGTGCCATTTATTACAACAGAATGTGCCATTGTTATAGCTCATAGGCACAGAGATTC[T>A]TTCTCCCAAGTTAACTGCTATTTTCAAGGTCTGATTATGGAGACCAATTGCCAGAAAATC-3'